The following is an entry in ClinVar:

ClinVar aggregate classification (germline): Conflicting classifications of pathogenicity. Review status: criteria provided, conflicting classifications (1 of 4 stars). 5 submissions from 5 submitters: Likely pathogenic (1); Uncertain significance (4). Last evaluated 2025-05-01.

Conditions:
Autosomal recessive hypophosphatemic bone disease (HHRH). Also called: HYPERCALCIURIC RICKETS; Hypophosphatemic rickets with hypercalciuria. Identifiers: Orphanet 157215, MedGen C1853271, MONDO:0009431, OMIM 241530.

Allele frequency attached by ClinVar (database versions not stated): TOPMed 0.00004; ExAC 0.00007.

Submissions (5):

Rare Kidney Stone Consortium and the Mayo Clinic Hyperoxaluria Center, Mayo Clinic
Classification: Uncertain significance for Autosomal recessive hypophosphatemic bone disease. Last evaluated: 2025-05-01. Review status: criteria provided, single submitter. Criteria: ACMG Guidelines, 2015. Collection method: research. Allele origin: germline.
Comment: ACMG: PP3

heterozygote. Could be significant in family.

MVZ Medizinische Genetik Mainz
Classification: Uncertain significance for Autosomal recessive hypophosphatemic bone disease. Last evaluated: 2024-02-28. Review status: criteria provided, single submitter. Criteria: UK Practice Guidelines For Variant Classification V4 01 2020. Collection method: clinical testing. Allele origin: germline. Inheritance: Autosomal dominant inheritance. Affected: yes. Observed: 1 variant allele.
Comment: ACMG Criteria: PM3,PM2_SUP

Fulgent Genetics
Classification: Likely pathogenic for Autosomal recessive hypophosphatemic bone disease. Last evaluated: 2024-02-01. Review status: criteria provided, single submitter. Criteria: ACMG Guidelines, 2015. Collection method: clinical testing. Allele origin: germline.

Blueprint Genetics
Classification: Uncertain significance. Last evaluated: 2023-12-29. Review status: criteria provided, single submitter. Criteria: ACMG Guidelines, 2015. Collection method: clinical testing. Allele origin: germline.

Labcorp Genetics (formerly Invitae), Labcorp
Classification: Uncertain significance. Last evaluated: 2022-09-13. Review status: criteria provided, single submitter. Criteria: Invitae Variant Classification Sherloc (09022015). Collection method: clinical testing. Allele origin: germline.
Comment: This sequence change replaces methionine, which is neutral and non-polar, with arginine, which is basic and polar, at codon 403 of the SLC34A3 protein (p.Met403Arg). This variant is present in population databases (rs532292902, gnomAD 0.01%). This variant has not been reported in the literature in individuals affected with SLC34A3-related conditions. ClinVar contains an entry for this variant (Variation ID: 1422565). Algorithms developed to predict the effect of missense changes on protein structure and function (SIFT, PolyPhen-2, Align-GVGD) all suggest that this variant is likely to be disruptive. Algorithms developed to predict the effect of sequence changes on RNA splicing suggest that this variant may create or strengthen a splice site. In summary, the available evidence is currently insufficient to determine the role of this variant in disease. Therefore, it has been classified as a Variant of Uncertain Significance.

Literature cited by the submitters: PubMed 36596813 (cited by Rare Kidney Stone Consortium and the Mayo Clinic Hyperoxaluria Center, Mayo Clinic); PubMed 34805638 (cited by Rare Kidney Stone Consortium and the Mayo Clinic Hyperoxaluria Center, Mayo Clinic).

NM_001177316.2(SLC34A3):c.1208T>G (p.Met403Arg)

Gene: SLC34A3 (solute carrier family 34 member 3; plus strand). Cytogenetic location: 9q34.3.
Variant type: single nucleotide variant.
Coding change: c.1208T>G on transcript NM_001177316.2 (MANE Select); coding-DNA position 1208, T replaced by G.
Protein change: p.Met403Arg; replaces methionine 403 with arginine.
Molecular consequence: missense variant.
Genome position (GRCh38, 1-based): chr9:137,234,530, T>G. VCF-style: chr9-137234530-T-G. GRCh37 (hg19) VCF-style: chr9-140128982-T-G.
Other names: c.1208T>G, p.Met403Arg (NM_001177317.2, NM_080877.3); short protein forms M403R.
Identifiers: ClinVar variation 1422565 (VCV001422565.10), dbSNP rs532292902, ClinGen allele CA5364841.